The following is an entry in ClinVar:

ClinVar aggregate classification (germline): Uncertain significance (1 of 4 stars; one submission).

Conditions:
Inborn genetic diseases. Identifiers: MedGen C0950123, MeSH D030342.

Submission:

Ambry Genetics
Classification: Uncertain significance for Inborn genetic diseases. Last evaluated: 2025-10-23. Review status: criteria provided, single submitter. Criteria: Ambry Variant Classification Scheme 2023. Collection method: clinical testing. Allele origin: germline.
Comment: The p.A44G variant (also known as c.131C>G), located in coding exon 1 of the FANCM gene, results from a C to G substitution at nucleotide position 131. The alanine at codon 44 is replaced by glycine, an amino acid with similar properties. This amino acid position is conserved. In addition, this alteration is predicted to be tolerated by in silico analysis. Based on the available evidence, the clinical significance of this variant remains unclear.

NM_020937.4(FANCM):c.131C>G (p.Ala44Gly)

Gene: FANCM (FA complementation group M; plus strand). Cytogenetic location: 14q21.2.
Variant type: single nucleotide variant.
Coding change: c.131C>G on transcript NM_020937.4 (MANE Select); coding-DNA position 131, C replaced by G.
Protein change: p.Ala44Gly; replaces alanine 44 with glycine.
Molecular consequence: missense variant.
Genome position (GRCh38, 1-based): chr14:45,136,162, C>G. VCF-style: chr14-45136162-C-G. GRCh37 (hg19) VCF-style: chr14-45605365-C-G.
Other names: c.131C>G, p.Ala44Gly (NM_001308133.2, NM_001308134.2); short protein forms A44G.
Identifiers: ClinVar variation 4619516 (VCV004619516.1).
Genomic context (GRCh38, chr14:45,136,162, plus strand): 5'-GTTGCAGCTCCGGAACTGAGCGACCTCAGAGCCCTGGCAGCTCCAAGGCGCCTTTGCCAG[C>G]AGCAGCGGAGGCTCAGCTGGAGTCGGACGATGATGTGTTGCTTGTCGCGGCGTACGAGGC-3'
Protein context (NP_065988.1, residues 34-54): SPGSSKAPLP[Ala44Gly]AAEAQLESDD